The following is an entry in ClinVar:

ClinVar aggregate classification (germline): Uncertain significance (1 of 4 stars; one submission).

Submission:

Labcorp Genetics (formerly Invitae), Labcorp
Classification: Uncertain significance. Last evaluated: 2024-01-12. Review status: criteria provided, single submitter. Criteria: Invitae Variant Classification Sherloc (09022015). Collection method: clinical testing. Allele origin: germline.
Comment: This sequence change replaces proline, which is neutral and non-polar, with leucine, which is neutral and non-polar, at codon 60 of the NTRK2 protein (p.Pro60Leu). This variant is not present in population databases (gnomAD no frequency). This variant has not been reported in the literature in individuals affected with NTRK2-related conditions. Advanced modeling of protein sequence and biophysical properties (such as structural, functional, and spatial information, amino acid conservation, physicochemical variation, residue mobility, and thermodynamic stability) performed at Invitae indicates that this missense variant is not expected to disrupt NTRK2 protein function with a negative predictive value of 80%. In summary, the available evidence is currently insufficient to determine the role of this variant in disease. Therefore, it has been classified as a Variant of Uncertain Significance.

NM_006180.6(NTRK2):c.179C>T (p.Pro60Leu)

Gene: NTRK2 (neurotrophic receptor tyrosine kinase 2; plus strand). Cytogenetic location: 9q21.33.
Variant type: single nucleotide variant.
Coding change: c.179C>T on transcript NM_006180.6 (MANE Select); coding-DNA position 179, C replaced by T.
Protein change: p.Pro60Leu; replaces proline 60 with leucine.
Molecular consequence: missense variant.
Genome position (GRCh38, 1-based): chr9:84,670,927, C>T. VCF-style: chr9-84670927-C-T. GRCh37 (hg19) VCF-style: chr9-87285842-C-T.
Other names: c.179C>T, p.Pro60Leu (NM_001369534.1, NM_001369537.1, NM_001369538.1 and 19 more transcripts); short protein forms P60L.
Identifiers: ClinVar variation 2709122 (VCV002709122.3), dbSNP rs769089926, ClinGen allele CA374004903.